The following is an entry in ClinVar:

ClinVar aggregate classification (germline): Uncertain significance. Review status: criteria provided, multiple submitters, no conflicts (2 of 4 stars). 2 submissions from 2 submitters: Uncertain significance (2). Last evaluated 2022-03-12.

Conditions:
Nephronophthisis. Also called: Juvenile Nephronophthisis. Identifiers: Orphanet 655, MedGen C0687120, MONDO:0019005, HP:0000090.
Infantile nephronophthisis (NPHP2). Also called: Nephronophthisis 2; Nephronophthisis 2, infantile. Identifiers: Orphanet 655, Orphanet 93591, MedGen C1865872, MONDO:0011190, OMIM 602088.

Allele frequency attached by ClinVar (database versions not stated): gnomAD exomes below 0.00001 and 0.00001; TOPMed below 0.00001; ExAC 0.00001; gnomAD 0.00001.

Submissions (2):

Labcorp Genetics (formerly Invitae), Labcorp
Classification: Uncertain significance for Nephronophthisis. Last evaluated: 2022-03-12. Review status: criteria provided, single submitter. Criteria: Invitae Variant Classification Sherloc (09022015). Collection method: clinical testing. Allele origin: germline.
Comment: This sequence change replaces asparagine, which is neutral and polar, with serine, which is neutral and polar, at codon 479 of the INVS protein (p.Asn479Ser). The frequency data for this variant in the population databases is considered unreliable, as metrics indicate poor data quality at this position in the gnomAD database. This variant has not been reported in the literature in individuals affected with INVS-related conditions. ClinVar contains an entry for this variant (Variation ID: 862339). Algorithms developed to predict the effect of missense changes on protein structure and function output the following: SIFT: "Tolerated"; PolyPhen-2: "Benign"; Align-GVGD: "Class C0". The serine amino acid residue is found in multiple mammalian species, which suggests that this missense change does not adversely affect protein function. In summary, the available evidence is currently insufficient to determine the role of this variant in disease. Therefore, it has been classified as a Variant of Uncertain Significance.

Fulgent Genetics
Classification: Uncertain significance for Infantile nephronophthisis. Last evaluated: 2021-12-14. Review status: criteria provided, single submitter. Criteria: ACMG Guidelines, 2015. Collection method: clinical testing. Allele origin: unknown.

NM_014425.5(INVS):c.1436A>G (p.Asn479Ser)

Gene: INVS (inversin; plus strand). Cytogenetic location: 9q31.1.
Variant type: single nucleotide variant.
Coding change: c.1436A>G on transcript NM_014425.5 (MANE Select); coding-DNA position 1436, A replaced by G.
Protein change: p.Asn479Ser; replaces asparagine 479 with serine.
Molecular consequence: missense variant. On other transcripts: non-coding transcript variant (1).
Genome position (GRCh38, 1-based): chr9:100,253,108, A>G. VCF-style: chr9-100253108-A-G. GRCh37 (hg19) VCF-style: chr9-103015390-A-G.
Other names: c.1148A>G, p.Asn383Ser (NM_001318381.2); c.458A>G, p.Asn153Ser (NM_001318382.2); short protein forms N383S, N479S, N153S.
Identifiers: ClinVar variation 862339 (VCV000862339.8), dbSNP rs773285164, ClinGen allele CA5158385.